The following is an entry in ClinVar:

NM_001029883.3(PCARE):c.1525A>G (p.Thr509Ala)

Gene: PCARE (photoreceptor cilium actin regulator; minus strand). Cytogenetic location: 2p23.2.
Variant type: single nucleotide variant.
Coding change: c.1525A>G on transcript NM_001029883.3 (MANE Select); coding-DNA position 1525, A replaced by G.
Protein change: p.Thr509Ala; replaces threonine 509 with alanine.
Molecular consequence: missense variant.
Genome position (GRCh38, 1-based): chr2:29,072,737, T>C on the plus strand (A>G on the coding strand, the complement: PCARE is on the minus strand). VCF-style: chr2-29072737-T-C. GRCh37 (hg19) VCF-style: chr2-29295603-T-C.
Other names: short protein forms T509A.
Identifiers: ClinVar variation 957099 (VCV000957099.11), dbSNP rs144622269, ClinGen allele CA1592407.

ClinVar aggregate classification (germline): Uncertain significance. Review status: criteria provided, multiple submitters, no conflicts (2 of 4 stars). 2 submissions from 2 submitters: Uncertain significance (2). Last evaluated 2023-12-17.

Allele frequency attached by ClinVar (database versions not stated): gnomAD exomes 0.00001; ExAC 0.00003; TOPMed 0.00003; gnomAD 0.00006 and 0.00007; 1000 Genomes Project 30x 0.00016; ESP Exome Variant Server 0.00016; 1000 Genomes Project 0.00020.
gnomAD v4.1: 24 of 1,611,514 alleles (0.0015%); highest among the groups gnomAD compares: African/African-American, 0.03%; no homozygotes.

Submissions (2):

Labcorp Genetics (formerly Invitae), Labcorp
Classification: Uncertain significance. Last evaluated: 2023-12-17. Review status: criteria provided, single submitter. Criteria: Invitae Variant Classification Sherloc (09022015). Collection method: clinical testing. Allele origin: germline.
Comment: This sequence change replaces threonine, which is neutral and polar, with alanine, which is neutral and non-polar, at codon 509 of the PCARE protein (p.Thr509Ala). This variant is present in population databases (rs144622269, gnomAD 0.03%). This variant has not been reported in the literature in individuals affected with PCARE-related conditions. ClinVar contains an entry for this variant (Variation ID: 957099). Algorithms developed to predict the effect of missense changes on protein structure and function output the following: SIFT: "Not Available"; PolyPhen-2: "Benign"; Align-GVGD: "Not Available". The alanine amino acid residue is found in multiple mammalian species, which suggests that this missense change does not adversely affect protein function. In summary, the available evidence is currently insufficient to determine the role of this variant in disease. Therefore, it has been classified as a Variant of Uncertain Significance.

Blueprint Genetics
Classification: Uncertain significance. Last evaluated: 2022-05-09. Review status: criteria provided, single submitter. Criteria: ACMG Guidelines, 2015. Collection method: clinical testing. Allele origin: germline.